The following is an entry in ClinVar:

ClinVar aggregate classification (germline): Pathogenic. Review status: reviewed by expert panel (3 of 4 stars). 7 submissions from 7 submitters: Pathogenic (1). 6 of the submissions do not count toward it. Last evaluated 2016-10-18.

Conditions:
BRCA1-related disorder. Also called: BRCA1-related condition.
Hereditary cancer-predisposing syndrome. Also called: Tumor predisposition; Neoplastic Syndromes, Hereditary; Hereditary Cancer Syndrome; Hereditary neoplastic syndrome. Identifiers: Orphanet 140162, MedGen C0027672, MeSH D009386, MONDO:0015356.
Hereditary breast ovarian cancer syndrome. Also called: Hereditary breast and ovarian cancer syndrome (HBOC); Hereditary breast and ovarian cancer syndrome; Hereditary breast and ovarian cancer; Hereditary breast and/or ovarian cancer syndrome; Breast and ovarian cancer; BRCA1- and BRCA2-Associated Hereditary Breast and Ovarian Cancer. Identifiers: Orphanet 145, MedGen C0677776, MeSH D061325, MONDO:0003582. Disease mechanism: loss of function.
Breast-ovarian cancer, familial, susceptibility to, 1 (BROVCA1). Also called: OVARIAN CANCER, SUSCEPTIBILITY TO; BRCA1 Hereditary Breast and Ovarian Cancer. Identifiers: Orphanet 145, MedGen C2676676, MONDO:0011450, OMIM 604370. Disease mechanism: loss of function.

Submissions (7):

Evidence-based Network for the Interpretation of Germline Mutant Alleles (ENIGMA)
Classification: Pathogenic for Breast-ovarian cancer, familial, susceptibility to, 1. Last evaluated: 2016-10-18. Review status: reviewed by expert panel. Criteria: ENIGMA BRCA1/2 Classification Criteria (2015). Collection method: curation. Allele origin: germline.
Comment: Variant allele predicted to encode a truncated non-functional protein.

Labcorp Genetics (formerly Invitae), Labcorp
Classification: Pathogenic for Hereditary breast ovarian cancer syndrome. Last evaluated: 2025-12-03. Review status: criteria provided, single submitter. Criteria: Invitae Variant Classification Sherloc (09022015). Collection method: clinical testing. Allele origin: germline. Not counted in ClinVar's aggregate classification.
Comment: This sequence change creates a premature translational stop signal (p.Lys679Asnfs*4) in the BRCA1 gene. It is expected to result in an absent or disrupted protein product. Loss-of-function variants in BRCA1 are known to be pathogenic (PMID: 20104584). Information on the frequency of this variant in the gnomAD database is not available, as this variant may be reported differently in the database. This premature translational stop signal has been observed in individual(s) with breast and/or ovarian cancer (PMID: 16826315, 24916970). ClinVar contains an entry for this variant (Variation ID: 803416). For these reasons, this variant has been classified as Pathogenic.

Ambry Genetics
Classification: Pathogenic for Hereditary cancer-predisposing syndrome. Last evaluated: 2024-03-05. Review status: criteria provided, single submitter. Criteria: Ambry Variant Classification Scheme 2023. Collection method: clinical testing. Allele origin: germline. Not counted in ClinVar's aggregate classification.
Comment: The c.2037delGinsCC pathogenic mutation, located in coding exon 9 of the BRCA1 gene, results from the deletion of one nucleotide and insertion of two nucleotides causing a translational frameshift with a predicted alternate stop codon (p.K679Nfs*4). This alteration has been reported in multiple individuals of Portuguese and Brazilian ancestry with personal and family histories of breast and/or ovarian cancer (Peixoto A et al. Fam. Cancer 2006 Jul; 5(4):379-87; Esteves VF et al. Braz. J. Med. Biol. Res. 2009 May; 42(5):453-7; Pinto P et al. Breast Cancer Res Treat, 2016 Sep;159:245-56; Palmero EI et al. Sci Rep, 2018 06;8:9188; Barbosa A et al. Cancers (Basel), 2020 Sep;12:). This alteration has also been identified in multiple large, worldwide studies of BRCA1/2 mutation positive families (Rebbeck TR et al. Hum Mutat. 2018 May;39(5):593-620; Santonocito C et al. Cancers (Basel). 2020 May 19;12(5):1286.). Of note, this alteration is also designated as 2156delGinsCC in the published literature. This variant is considered to be rare based on population cohorts in the Genome Aggregation Database (gnomAD). In addition to the clinical data presented in the literature, this alteration is expected to result in loss of function by premature protein truncation or nonsense-mediated mRNA decay. As such, this alteration is interpreted as a disease-causing mutation.

Color Diagnostics, LLC DBA Color Health
Classification: Pathogenic for Hereditary cancer-predisposing syndrome. Last evaluated: 2020-01-15. Review status: criteria provided, single submitter. Criteria: ACMG Guidelines, 2015. Collection method: clinical testing. Allele origin: germline. Not counted in ClinVar's aggregate classification.
Comment: This variant is located in the BRCA1 protein. Splice site prediction tools suggest that this variant may not impact RNA splicing. This variant has not been identified in the general population by the Genome Aggregation Database (gnomAD). Loss of BRCA1 function is a known mechanism of disease. Based on the available evidence, this variant is classified as Pathogenic.

Mendelics
Classification: Pathogenic for Hereditary breast and ovarian cancer syndrome. Last evaluated: 2018-07-02. Review status: criteria provided, single submitter. Criteria: Mendelics Assertion Criteria 2017. Collection method: clinical testing. Allele origin: unknown. Not counted in ClinVar's aggregate classification.

Consortium of Investigators of Modifiers of BRCA1/2 (CIMBA), c/o University of Cambridge
Classification: Pathogenic for Breast-ovarian cancer, familial, susceptibility to, 1. Last evaluated: 2015-10-02. Review status: criteria provided, single submitter. Criteria: CIMBA Mutation Classification guidelines May 2016. Collection method: clinical testing. Allele origin: germline. Not counted in ClinVar's aggregate classification.

PreventionGenetics, part of Exact Sciences
Classification: Pathogenic for BRCA1-related condition. Last evaluated: 2024-08-07. Review status: no assertion criteria provided. Collection method: clinical testing. Allele origin: germline. Not counted in ClinVar's aggregate classification.
Comment: The BRCA1 c.2037delinsCC variant is predicted to result in a frameshift and premature protein termination (p.Lys679Asnfs*4). This variant (also described as 2156delinsCC using legacy nomenclature) has been frequently reported in breast/ovarian cancer patients of Portuguese ancestry (Peixoto et al. 2006. PubMed ID: 16826315; Esteves et al. 2009. PubMed ID: 19377795; Peixoto et al. 2015. PubMed ID: 24916970; Pinto et al. 2016. PubMed ID: 27553368; Palmero et al. 2018. PubMed ID: 29907814; Santonocito et al. 2020. PubMed ID: 32438681; Peixoto et al. 2020. PubMed ID: 32850417). This variant has not been reported in the gnomAD database and is interpreted as pathogenic by multiple laboratories in ClinVar. Frameshift variants in BRCA1 are expected to be pathogenic. This variant is interpreted as pathogenic.

Literature cited by the submitters: PubMed 20104584 (cited by Labcorp Genetics (formerly Invitae), Labcorp); PubMed 16826315 (cited by Labcorp Genetics (formerly Invitae), Labcorp and Ambry Genetics); PubMed 24916970 (cited by Labcorp Genetics (formerly Invitae), Labcorp and Ambry Genetics); PubMed 19377795 (cited by Ambry Genetics); PubMed 27553368 (cited by Ambry Genetics); PubMed 29446198 (cited by Ambry Genetics); PubMed 29907814 (cited by Ambry Genetics); PubMed 32438681 (cited by Ambry Genetics); PubMed 32850417 (cited by Ambry Genetics); PubMed 33008098 (cited by Ambry Genetics).

NM_007294.4(BRCA1):c.2037delinsCC (p.Lys679fs)

Gene: BRCA1 (BRCA1 DNA repair associated; minus strand). Cytogenetic location: 17q21.31.
Variant type: Indel.
Coding change: c.2037delinsCC on transcript NM_007294.4 (MANE Select); coding-DNA position 2037, G replaced by CC.
Protein change: p.Lys679fs; shifts the reading frame from lysine 679.
Molecular consequence: frameshift variant. On other transcripts: intron variant (137).
Genome position (GRCh38, 1-based): chr17:43,093,494, C replaced by GG on the plus strand (G replaced by CC on the coding strand, the reverse complement: BRCA1 is on the minus strand). VCF-style: chr17-43093494-C-GG. GRCh37 (hg19) VCF-style: chr17-41245511-C-GG.
Other names: 2156delinsCC; c.523+1250delinsCC (NM_001408499.1, NM_001408498.1, NM_001408501.1 and 3 more transcripts); c.670+2352delinsCC (NM_001408422.1, NM_001408418.1, NM_001408423.1 and 2 more transcripts); c.706+1250delinsCC (NM_001408416.1, NM_001408413.1); c.577+1250delinsCC (NM_001408484.1, NM_001408478.1, NM_001408514.1 and 9 more transcripts); c.661+1250delinsCC (NM_001408450.1, NM_001408434.1, NM_001408447.1 and 6 more transcripts); c.784+1250delinsCC (NM_001408398.1, NM_001407992.1, NM_001408400.1 and 13 more transcripts); c.664+1250delinsCC (NM_001408440.1, NM_001408428.1, NM_001408441.1 and 12 more transcripts); and 41 more; short protein forms K632fs, K679fs, K567fs, K591fs, K611fs, K511fs, K608fs, K631fs.
Identifiers: ClinVar variation 54443 (VCV000054443.19), dbSNP rs397508932, ClinGen allele CA327800.